The following is an entry in ClinVar:

NM_001110556.2(FLNA):c.6320G>T (p.Cys2107Phe)

Gene: FLNA (filamin A; minus strand). Cytogenetic location: Xq28.
Variant type: single nucleotide variant.
Coding change: c.6320G>T on transcript NM_001110556.2 (MANE Select); coding-DNA position 6320, G replaced by T.
Protein change: p.Cys2107Phe; replaces cysteine 2107 with phenylalanine.
Molecular consequence: missense variant.
Genome position (GRCh38, 1-based): chrX:154,352,831, C>A on the plus strand (G>T on the coding strand, the complement: FLNA is on the minus strand). VCF-style: chrX-154352831-C-A. GRCh37 (hg19) VCF-style: chrX-153581199-C-A.
Other names: c.6296G>T, p.Cys2099Phe (NM_001456.4); short protein forms C2107F, C2099F.
Identifiers: ClinVar variation 4794562 (VCV004794562.2).
Genomic context (GRCh38, chrX:154,352,831, plus strand): 5'-CCAGGCACGTGCTGGTCGGCAAACTTGATGTTGATGATGTAGTTGCCTGGCTCTGTGGGG[C>A]AGTAGGTGACCCTGCACGTCCCGTCCTCCAGGTCCTCTGTGTTGATGTCCACCTTGCTGG-3'
Protein context (NP_001104026.1, residues 2097-2117): LEDGTCRVTY[Cys2107Phe]PTEPGNYIIN

ClinVar aggregate classification (germline): Conflicting classifications of pathogenicity. Review status: criteria provided, conflicting classifications (1 of 4 stars). 2 submissions from 2 submitters: Uncertain significance (1); Likely benign (1). Last evaluated 2025-06-25.

Conditions:
Oto-palato-digital syndrome, type II (OPD2). Also called: FACIOPALATOOSSEOUS SYNDROME; OPD II SYNDROME; Otopalatodigital Syndrome, Type II; Otopalatodigital Syndrome Type 2 (FLNA-OPD2). Identifiers: Orphanet 669, Orphanet 90652, MedGen C1844696, MONDO:0010571, OMIM 304120.
Melnick-Needles syndrome (MNS). Also called: MELNICK-NEEDLES OSTEODYSPLASTY; OSTEODYSPLASTY OF MELNICK AND NEEDLES; Melnick-Needles Syndrome (FLNA-MNS). Identifiers: Orphanet 2484, MedGen C0025237, MONDO:0010650, OMIM 309350.
Frontometaphyseal dysplasia (FMD1). Identifiers: Orphanet 1826, MedGen C0265293, MONDO:0015942.
Heterotopia, periventricular, X-linked dominant (PVNH1). Also called: HETEROTOPIA, PERIVENTRICULAR, 1; PERIVENTRICULAR NODULAR HETEROTOPIA 1; X-linked periventricular heterotopia; PERIVENTRICULAR NODULAR HETEROTOPIA 4. Identifiers: Orphanet 2149, Orphanet 82004, MedGen C1848213, MONDO:0010233, OMIM 300049.

gnomAD v4.1: 1 of 1,211,663 alleles (0.000083%); highest among the groups gnomAD compares: Non-Finnish European, 0.00011%; no homozygotes.

Submissions (2):

Labcorp Genetics (formerly Invitae), Labcorp
Classification: Uncertain significance for Oto-palato-digital syndrome, type II; Heterotopia, periventricular, X-linked dominant; Frontometaphyseal dysplasia; Melnick-Needles syndrome. Last evaluated: 2025-06-25. Review status: criteria provided, single submitter. Criteria: Invitae Variant Classification Sherloc (09022015). Collection method: clinical testing. Allele origin: germline.
Comment: This sequence change replaces cysteine, which is neutral and slightly polar, with phenylalanine, which is neutral and non-polar, at codon 2099 of the FLNA protein (p.Cys2099Phe). This variant is not present in population databases (gnomAD no frequency). This variant has not been reported in the literature in individuals affected with FLNA-related conditions. Invitae Evidence Modeling of protein sequence and biophysical properties (such as structural, functional, and spatial information, amino acid conservation, physicochemical variation, residue mobility, and thermodynamic stability) indicates that this missense variant is not expected to disrupt FLNA protein function with a negative predictive value of 95%. In summary, the available evidence is currently insufficient to determine the role of this variant in disease. Therefore, it has been classified as a Variant of Uncertain Significance.

Blueprint Genetics
Classification: Likely benign. Last evaluated: 2023-04-05. Review status: criteria provided, single submitter. Criteria: ACMG Guidelines, 2015. Collection method: clinical testing. Allele origin: germline.